The following is an entry in ClinVar:

ClinVar aggregate classification (germline): Pathogenic/Likely pathogenic. Review status: criteria provided, multiple submitters, no conflicts (2 of 4 stars). 7 submissions from 7 submitters: Pathogenic (5); Likely pathogenic (1). 1 of the submissions does not count toward it. Last evaluated 2023-04-17.

Conditions:
Junctional epidermolysis bullosa gravis of Herlitz. Also called: Epidermolysis Bullosa Letalis; Herlitz-type junctional epidermolysis bullosa; EPIDERMOLYSIS BULLOSA, JUNCTIONAL 1B, SEVERE; EPIDERMOLYSIS BULLOSA JUNCTIONALIS, HERLITZ TYPE; EPIDERMOLYSIS BULLOSA, JUNCTIONAL, HERLITZ-PEARSON TYPE; JEB-HERLITZ TYPE. Identifiers: Orphanet 79404, MedGen C0079683, MONDO:0009182, OMIM 226700.
Junctional epidermolysis bullosa, non-Herlitz type. Also called: COL17A1-Related Junctional Epidermolysis Bullosa; Adult junctional epidermolysis bullosa; EPIDERMOLYSIS BULLOSA, JUNCTIONAL 1A, INTERMEDIATE; EPIDERMOLYSIS BULLOSA JUNCTIONALIS, DISENTIS TYPE; EPIDERMOLYSIS BULLOSA JUNCTIONALIS, NON-HERLITZ TYPE; EPIDERMOLYSIS BULLOSA JUNCTIONALIS, PROGRESSIVE. Identifiers: Orphanet 251393, Orphanet 79402, Orphanet 79405, Orphanet 89840, MedGen C0268374, MONDO:0009180, OMIM 226650.
Junctional epidermolysis bullosa. Identifiers: Orphanet 305, MedGen C0079301, MONDO:0017612.

Allele frequency attached by ClinVar (database versions not stated): gnomAD exomes below 0.00001.

Submissions (7):

Labcorp Genetics (formerly Invitae), Labcorp
Classification: Pathogenic. Last evaluated: 2023-04-17. Review status: criteria provided, single submitter. Criteria: Invitae Variant Classification Sherloc (09022015). Collection method: clinical testing. Allele origin: germline.
Comment: ClinVar contains an entry for this variant (Variation ID: 371216). This sequence change creates a premature translational stop signal (p.Gln373*) in the LAMB3 gene. It is expected to result in an absent or disrupted protein product. Loss-of-function variants in LAMB3 are known to be pathogenic (PMID: 11023379, 16473856). This variant is present in population databases (no rsID available, gnomAD 0.0009%). This premature translational stop signal has been observed in individual(s) with junctional epidermolysis bullosa (PMID: 11023379, 25950805, 28830826). For these reasons, this variant has been classified as Pathogenic.

GeneDx
Classification: Pathogenic. Last evaluated: 2022-11-17. Review status: criteria provided, single submitter. Criteria: GeneDx Variant Classification Process June 2021. Collection method: clinical testing. Allele origin: germline. Affected: yes.
Comment: Nonsense variant predicted to result in protein truncation or nonsense mediated decay in a gene for which loss of function is a known mechanism of disease; Not observed at significant frequency in large population cohorts (gnomAD); This variant is associated with the following publications: (PMID: 25525159, 22931927, 11023379, 25950805, 15538630, 28830826)

Revvity Omics, Revvity
Classification: Pathogenic. Last evaluated: 2022-02-11. Review status: criteria provided, single submitter. Criteria: ACMG Guidelines, 2015. Collection method: clinical testing. Allele origin: germline.

Illumina Laboratory Services, Illumina
Classification: Likely pathogenic for Epidermolysis bullosa, junctional. Last evaluated: 2018-10-30. Review status: criteria provided, single submitter. Criteria: ICSL Variant Classification Criteria 09 May 2019. Collection method: clinical testing. Allele origin: germline.
Comment: The LAMB3 c.1117C>T (p.Gln373Ter) variant is a stop-gained variant predicted to result in premature termination of the protein. It has been reported in two studies in which is found in a compound heterozygous state with the recurrent LAMB3 variant, p.Arg635Ter, in three affected individuals. All three individuals presented with a severe, neonatal-lethal form of junctional epidermolysis bullosa known as Herlitz disease or H-JEB. (Muhle et al. 2005; Tolar et al. 2013) Control data are unavailable for this variant, which is reported at a frequency of 0.000009 in the European (non-Finnish) population of the Genome Aggregation Database but this is based on one allele in a region of good sequence coverage, so the variant is presumed to be rare. Skin biopsy studies showed reduced laminin-5 expression in two probands (Muhle et al. 2005) and absence of laminin B3 chain at the dermal epidermal junction in one proband (Tolar et al. 2013). Based on the evidence, the variant is classified as likely pathogenic for junctional epidermolysis bullosa. This variant was observed by ICSL as part of a predisposition screen in an ostensibly healthy population.

Kariminejad - Najmabadi Pathology & Genetics Center
Classification: Pathogenic for Junctional epidermolysis bullosa gravis of Herlitz. Review status: criteria provided, single submitter. Criteria: ACMG Guidelines, 2015. Collection method: clinical testing. Allele origin: germline. Affected: no.

Pars Genome Lab
Classification: Pathogenic for Junctional epidermolysis bullosa, non-Herlitz type. Review status: criteria provided, single submitter. Criteria: ACMG Guidelines, 2015. Collection method: clinical testing. Allele origin: germline. Inheritance: Autosomal recessive inheritance. Affected: yes.

Counsyl
Classification: Pathogenic for Junctional epidermolysis bullosa gravis of Herlitz. Last evaluated: 2016-08-02. Review status: no assertion criteria provided. Collection method: clinical testing. Allele origin: unknown. Not counted in ClinVar's aggregate classification.

Literature cited by the submitters: PubMed 11023379 (cited by Labcorp Genetics (formerly Invitae), Labcorp); PubMed 16473856 (cited by Labcorp Genetics (formerly Invitae), Labcorp); PubMed 25950805 (cited by Labcorp Genetics (formerly Invitae), Labcorp and Counsyl); PubMed 28830826 (cited by Labcorp Genetics (formerly Invitae), Labcorp); PubMed 15538630 (cited by Illumina Laboratory Services, Illumina and Counsyl); PubMed 22931927 (cited by Illumina Laboratory Services, Illumina).

NM_000228.3(LAMB3):c.1117C>T (p.Gln373Ter)

Gene: LAMB3 (laminin subunit beta 3; minus strand). Cytogenetic location: 1q32.2.
Variant type: single nucleotide variant.
Coding change: c.1117C>T on transcript NM_000228.3 (MANE Select); coding-DNA position 1117, C replaced by T.
Protein change: p.Gln373Ter; replaces glutamine 373 with a stop codon.
Molecular consequence: nonsense.
Genome position (GRCh38, 1-based): chr1:209,629,752, G>A on the plus strand (C>T on the coding strand, the complement: LAMB3 is on the minus strand). VCF-style: chr1-209629752-G-A. GRCh37 (hg19) VCF-style: chr1-209803097-G-A.
Other names: c.1117C>T, p.Gln373Ter (NM_001017402.2, NM_001127641.1); short protein forms Q373*.
Identifiers: ClinVar variation 371216 (VCV000371216.24), dbSNP rs1057517096, ClinGen allele CA16040695.